The following is an entry in ClinVar:

ClinVar aggregate classification (germline): Benign. Review status: criteria provided, multiple submitters, no conflicts (2 of 4 stars). 2 submissions from 2 submitters: Benign (2). Last evaluated 2018-11-12.

Allele frequency attached by ClinVar (database versions not stated): 1000 Genomes Project 30x 0.17536; 1000 Genomes Project 0.18071; TOPMed 0.19991; gnomAD 0.21338 and 0.21456; gnomAD exomes 0.23884.

Submissions (2):

GeneDx
Classification: Benign. Last evaluated: 2018-11-12. Review status: criteria provided, single submitter. Criteria: GeneDx Variant Classification Process June 2021. Collection method: clinical testing. Allele origin: germline. Affected: yes.
Comment: This variant is associated with the following publications: (PMID: 27216534, 18390561)

Breakthrough Genomics
Classification: Benign. Review status: criteria provided, single submitter. Criteria: ACMG Guidelines, 2015. Collection method: not provided. Allele origin: germline. Inheritance: Unknown mechanism. Affected: yes.

NC_000016.10:g.11281429G>T

Gene: PRM1 (protamine 1; minus strand). Cytogenetic location: 16p13.13.
Variant type: single nucleotide variant.
Genome position: GRCh38 VCF-style: chr16-11281429-G-T. GRCh37 (hg19) VCF-style: chr16-11375286-G-T.
Identifiers: ClinVar variation 1223123 (VCV001223123.5), dbSNP rs2301365, ClinGen allele CA14277941.